The following is an entry in ClinVar:

ClinVar aggregate classification (germline): Uncertain significance (1 of 4 stars; one submission).

Conditions:
Intellectual developmental disorder, X-linked 19. Also called: Intellectual disability, X-linked 19. Identifiers: Orphanet 777, MedGen C0796225, MONDO:0010447, OMIM 300844.
Coffin-Lowry syndrome (CLS). Also called: COFFIN-LOWRY SYNDROME, MILD; Mental retardation with osteocartilaginous abnormalities. Identifiers: Orphanet 192, MedGen C0265252, MONDO:0010561, OMIM 303600.

Submission:

Labcorp Genetics (formerly Invitae), Labcorp
Classification: Uncertain significance for Coffin-Lowry syndrome; Intellectual developmental disorder, X-linked 19. Last evaluated: 2021-08-08. Review status: criteria provided, single submitter. Criteria: Invitae Variant Classification Sherloc (09022015). Collection method: clinical testing. Allele origin: germline.
Comment: In summary, the available evidence is currently insufficient to determine the role of this variant in disease. Therefore, it has been classified as a Variant of Uncertain Significance. This variant has not been reported in the literature in individuals affected with RPS6KA3-related conditions. This variant results in a copy number gain of the genomic region encompassing exon(s) 11-22 of the RPS6KA3 gene. This region includes the termination codon of the gene. This copy number gain extends beyond the assayed region for this gene and therefore may encompass additional genes. As the precise location of this event is unknown, it may be in tandem or it may be located elsewhere in the genome.

NC_000023.10:g.(?_20173516)_(20195222_?)dup

Gene: RPS6KA3 (ribosomal protein S6 kinase A3; minus strand). Cytogenetic location: Xp22.12.
Variant type: Duplication.
Identifiers: ClinVar variation 2425179 (VCV002425179.6).